The following is an entry in ClinVar:

ClinVar aggregate classification (germline): Conflicting classifications of pathogenicity. Review status: criteria provided, conflicting classifications (1 of 4 stars). 8 submissions from 8 submitters: Uncertain significance (5); Likely benign (1). 2 of the submissions do not count toward it. Last evaluated 2026-01-26.

Conditions:
Hereditary cancer-predisposing syndrome. Also called: Tumor predisposition; Hereditary neoplastic syndrome; Neoplastic Syndromes, Hereditary; Hereditary Cancer Syndrome. Identifiers: Orphanet 140162, MedGen C0027672, MeSH D009386, MONDO:0015356.
Familial adenomatous polyposis 2. Also called: Adenomas, multiple colorectal; MUTYH-associated polyposis; MUTYH-related attenuated familial adenomatous polyposis; MUTYH Polyposis; COLORECTAL ADENOMATOUS POLYPOSIS, AUTOSOMAL RECESSIVE; ADENOMAS, MULTIPLE COLORECTAL, AUTOSOMAL RECESSIVE. Identifiers: Orphanet 220460, Orphanet 247798, MedGen C3272841, MONDO:0012041, OMIM 608456.

gnomAD v4.1: 9 of 1,602,042 alleles (0.00056%); highest among the groups gnomAD compares: Admixed American, 0.014%; no homozygotes.

Submissions (8):

Labcorp Genetics (formerly Invitae), Labcorp
Classification: Uncertain significance for Familial adenomatous polyposis 2. Last evaluated: 2026-01-26. Review status: criteria provided, single submitter. Criteria: Invitae Variant Classification Sherloc (09022015). Collection method: clinical testing. Allele origin: germline.
Comment: This sequence change replaces proline, which is neutral and non-polar, with threonine, which is neutral and polar, at codon 334 of the MUTYH protein (p.Pro334Thr). This variant is present in population databases (rs587778537, gnomAD 0.02%). This variant has not been reported in the literature in individuals affected with MUTYH-related conditions. ClinVar contains an entry for this variant (Variation ID: 134861). An algorithm developed specifically for the MUTYH gene suggests that this missense change is likely to be deleterious (PMID: 23621914). In summary, the available evidence is currently insufficient to determine the role of this variant in disease. Therefore, it has been classified as a Variant of Uncertain Significance.

Ambry Genetics
Classification: Likely benign for Hereditary cancer-predisposing syndrome. Last evaluated: 2025-08-18. Review status: criteria provided, single submitter. Criteria: Ambry Variant Classification Scheme 2023. Collection method: clinical testing. Allele origin: germline.

GeneDx
Classification: Uncertain significance. Last evaluated: 2024-12-03. Review status: criteria provided, single submitter. Criteria: GeneDx Variant Classification Process June 2021. Collection method: clinical testing. Allele origin: germline. Affected: yes.
Comment: In silico analysis indicates that this missense variant does not alter protein structure/function; Identified in healthy individuals undergoing whole genome sequencing (PMID: 24728327); This variant is associated with the following publications: (PMID: 24470512, 16879101, 20816984, 24728327)

All of Us Research Program, National Institutes of Health
Classification: Uncertain significance for Familial adenomatous polyposis 2. Last evaluated: 2023-10-02. Review status: criteria provided, single submitter. Criteria: ACMG Guidelines, 2015. Collection method: clinical testing. Allele origin: germline. Inheritance: Autosomal recessive inheritance. Observed: 3 variant alleles, 3 heterozygotes.
Comment: This missense variant replaces proline with threonine at codon 334 of the MUTYH protein. Computational prediction suggests that this variant may not impact protein structure and function (internally defined REVEL score threshold <= 0.5, PMID: 27666373). To our knowledge, functional studies have not been reported for this variant. This variant has not been reported in individuals affected with MUTYH-related disorders in the literature. This variant has been identified in 7/228910 chromosomes in the general population by the Genome Aggregation Database (gnomAD). The available evidence is insufficient to determine the role of this variant in disease conclusively. Therefore, this variant is classified as a Variant of Uncertain Significance.

This study involves interpretation of variants in research participants for the purpose of population health screening. Participant phenotype was not available at the time of variant classification. Additional details can be found in publication PMID: 35346344, PMCID: PMC8962531

Quest Diagnostics Nichols Institute San Juan Capistrano
Classification: Uncertain significance. Last evaluated: 2023-08-09. Review status: criteria provided, single submitter. Criteria: Quest Diagnostics criteria. Collection method: clinical testing. Allele origin: unknown.
Comment: This variant has not been reported in the published literature. The frequency of this variant in the general population, 0.00019 (6/32216 chromosomes (Genome Aggregation Database)), is uninformative in the assessment of its pathogenicity. Analysis of this variant using bioinformatics tools for the prediction of the effect of amino acid changes on protein structure and function yielded predictions that this variant is benign. Based on the available information, we are unable to determine the clinical significance of this variant.

Color Diagnostics, LLC DBA Color Health
Classification: Uncertain significance for Hereditary cancer-predisposing syndrome. Last evaluated: 2023-03-01. Review status: criteria provided, single submitter. Criteria: ACMG Guidelines, 2015. Collection method: clinical testing. Allele origin: germline.
Comment: This missense variant replaces proline with threonine at codon 334 of the MUTYH protein. Computational prediction suggests that this variant may not impact protein structure and function (internally defined REVEL score threshold <= 0.5, PMID: 27666373). To our knowledge, functional studies have not been reported for this variant. This variant has not been reported in individuals affected with MUTYH-related disorders in the literature. This variant has been identified in 7/228910 chromosomes in the general population by the Genome Aggregation Database (gnomAD). The available evidence is insufficient to determine the role of this variant in disease conclusively. Therefore, this variant is classified as a Variant of Uncertain Significance.

Counsyl
Classification: Uncertain significance for Familial adenomatous polyposis 2. Last evaluated: 2016-10-13. Review status: no assertion criteria provided. Collection method: clinical testing. Allele origin: unknown. Not counted in ClinVar's aggregate classification.

ITMI
No classification provided. Condition: AllHighlyPenetrant. Last evaluated: 2013-09-19. Review status: no classification provided. Collection method: reference population. Allele origin: germline. Not counted in ClinVar's aggregate classification.
Comment: Please see associated publication for description of ethnicities

Literature cited by the submitters: PubMed 23621914 (cited by Labcorp Genetics (formerly Invitae), Labcorp and Counsyl); PubMed 40738107 (cited by Ambry Genetics); PubMed 24728327 (cited by Counsyl and ITMI).

NM_001048174.2(MUTYH):c.916C>A (p.Pro306Thr)

Gene: MUTYH (mutY DNA glycosylase; minus strand). Cytogenetic location: 1p34.1.
Variant type: single nucleotide variant.
Coding change: c.916C>A on transcript NM_001048174.2 (MANE Select); coding-DNA position 916, C replaced by A.
Protein change: p.Pro306Thr; replaces proline 306 with threonine.
Molecular consequence: missense variant. On other transcripts: non-coding transcript variant (2).
Genome position (GRCh38, 1-based): chr1:45,331,847, G>T on the plus strand (C>A on the coding strand, the complement: MUTYH is on the minus strand). VCF-style: chr1-45331847-G-T. GRCh37 (hg19) VCF-style: chr1-45797519-G-T.
Other names: c.916C>A, p.Pro306Thr (NM_001048171.2, NM_001048173.2, NM_001293195.2); c.919C>A, p.Pro307Thr (NM_001048172.2); c.1000C>A, p.Pro334Thr (NM_001128425.2); c.961C>A, p.Pro321Thr (NM_001293190.2); c.949C>A, p.Pro317Thr (NM_001293191.2); c.640C>A, p.Pro214Thr (NM_001293192.2, NM_001293196.2); c.571C>A, p.Pro191Thr (NM_001350650.2, NM_001350651.2); c.991C>A, p.Pro331Thr (NM_012222.3); short protein forms P334T, P320T, P214T, P306T, P307T, P191T, P317T, P321T.
Identifiers: ClinVar variation 134861 (VCV000134861.32), dbSNP rs587778537, ClinGen allele CA011921.